The following is an entry in ClinVar:

NM_018136.5(ASPM):c.10161+1_10161+2del

Gene: ASPM (assembly factor for spindle microtubules; minus strand). Cytogenetic location: 1q31.3.
Variant type: Deletion.
Coding change: c.10161+1_10161+2del on transcript NM_018136.5 (MANE Select); the canonical splice donor site of the intron after coding-DNA position 10161, 2 bases deleted (GT; older notation c.10161+1_10161+2delGT).
Molecular consequence: splice donor variant.
Genome position (GRCh38, 1-based): chr1:197,088,254-197,088,255, AC deleted on the plus strand (GT on the coding strand, the reverse complement: ASPM is on the minus strand); deleting any 2 consecutive bases within chr1:197,088,254-197,088,256 gives the same sequence; the c. name uses the placement nearest the transcript's 3' end. VCF-style (leftmost placement, unchanged base first): chr1-197088253-TAC-T. GRCh37 (hg19) VCF-style: chr1-197057383-TAC-T.
Other names: c.5406+1_5406+2del (NM_001206846.2).
Identifiers: ClinVar variation 3234920 (VCV003234920.1), dbSNP rs746863848, ClinGen allele CA1308787.
Genomic context (GRCh38, chr1:197,088,253, plus strand): 5'-AAAGTCATAGACTTAAGACCACAGAAAAATAATCTTAAAGAAAGGCAACTGACTAATACT[TAC>T]AGAGGCTCTATTTGTTGTCTTCAGTAAAATAGCCAACAAACAACAAGTTTTTGTAAAAAT-3'

ClinVar aggregate classification (germline): Likely pathogenic (1 of 4 stars; one submission).

Conditions:
Microcephaly 5, primary, autosomal recessive (MCPH5). Also called: ASPM Primary Microcephaly. Identifiers: Orphanet 2512, MedGen C1837501, MONDO:0012106, OMIM 608716.

Submission:

Neuberg Centre For Genomic Medicine, NCGM
Classification: Likely pathogenic for Microcephaly 5, primary, autosomal recessive. Review status: criteria provided, single submitter. Criteria: ACMG Guidelines, 2015. Collection method: clinical testing. Allele origin: germline. Inheritance: Autosomal recessive inheritance. Affected: yes.
Comment: The splice donor c.10161+1_10161+2del variant in ASPM gene has not been reported previously as a pathogenic variant nor as a benign variant, to our knowledge. This variant is reported with the allele frequency of 0.0003% in the gnomAD Exomes and novel in 1000 Genomes. The variant affects the GT donor splice site downstream of exon 26. This variant is predicted to cause loss of normal protein function through protein truncation. Loss of function variants have been previously reported to be disease causing. For these reasons, this variant has been classified as Likely Pathogenic.